The following is an entry in ClinVar:

NM_001360016.2(G6PD):c.1329C>T (p.Asp443=)

Gene: G6PD (glucose-6-phosphate dehydrogenase; minus strand). Cytogenetic location: Xq28.
Variant type: single nucleotide variant.
Coding change: c.1329C>T on transcript NM_001360016.2 (MANE Select); coding-DNA position 1329, C replaced by T.
Protein change: p.Asp443=; no amino-acid change (aspartic acid 443 retained).
Molecular consequence: synonymous variant.
Genome position (GRCh38, 1-based): chrX:154,532,421, G>A on the plus strand (C>T on the coding strand, the complement: G6PD is on the minus strand). VCF-style: chrX-154532421-G-A. GRCh37 (hg19) VCF-style: chrX-153760636-G-A.
Other names: c.1419C>T, p.Asp473= (NM_000402.4); c.1329C>T, p.Asp443= (NM_001042351.3).
Identifiers: ClinVar variation 289373 (VCV000289373.46), dbSNP rs138919671, ClinGen allele CA10566038.
Genomic context (GRCh38, chrX:154,532,421, plus strand): 5'-GCAGGGGCCGGCAGCTGGGCCTCACCTGCGCACGAAGTGCATCTGGCTCCCGCAGAAGAC[G>A]TCCAGGATGAGGCGCTCATAGGCGTCAGGGAGCTTCACGTTCTGTGAGGGAGAGAGTGTC-3'
Protein context (NP_001346945.1, residues 433-453): LPDAYERLIL[Asp443=]VFCGSQMHFV

ClinVar aggregate classification (germline): Conflicting classifications of pathogenicity. Review status: criteria provided, conflicting classifications (1 of 4 stars). 3 submissions from 3 submitters: Uncertain significance (1); Likely benign (2). Last evaluated 2026-05-01.

Conditions:
Anemia, nonspherocytic hemolytic, due to G6PD deficiency (CNSHA1). Also called: Class I glucose-6-phosphate dehydrogenase deficiency; Favism, susceptibility to; Hemolytic anemia due to G6PD deficiency; ANEMIA, CONGENITAL, NONSPHEROCYTIC HEMOLYTIC, 1. Identifiers: Orphanet 466026, MedGen C2720289, MONDO:0010480, OMIM 300908.

Allele frequency attached by ClinVar (database versions not stated): gnomAD exomes 0.00001 and 0.00004; gnomAD 0.00004 and 0.00005; ExAC 0.00005; TOPMed 0.00005; ESP Exome Variant Server 0.00019; 1000 Genomes Project 30x 0.00021; 1000 Genomes Project 0.00026.
gnomAD v4.1: 16 of 1,210,457 alleles (0.0013%); highest among the groups gnomAD compares: African/African-American, 0.012%; no homozygotes.

Submissions (3):

CeGaT Center for Human Genetics Tuebingen
Classification: Likely benign. Last evaluated: 2026-05-01. Review status: criteria provided, single submitter. Criteria: CeGaT Center For Human Genetics Tuebingen Variant Classification Criteria Version 2. Collection method: clinical testing. Allele origin: germline. Affected: yes. Observed: 2 variant alleles.
Comment: G6PD: BP4, BP7, BS2

Labcorp Genetics (formerly Invitae), Labcorp
Classification: Likely benign for Anemia, nonspherocytic hemolytic, due to G6PD deficiency. Last evaluated: 2026-01-06. Review status: criteria provided, single submitter. Criteria: Invitae Variant Classification Sherloc (09022015). Collection method: clinical testing. Allele origin: germline.

Eurofins Ntd Llc (ga)
Classification: Uncertain significance. Last evaluated: 2016-07-13. Review status: criteria provided, single submitter. Criteria: EGL Classification Definitions 2015. Collection method: clinical testing. Allele origin: germline. Observed: 1 variant allele, 1 hemizygote.